The following is an entry in ClinVar:

NM_003193.5(TBCE):c.1306_1307del (p.Gln436fs)

Genes: B3GALNT2 (beta-1,3-N-acetylgalactosaminyltransferase 2; minus strand), TBCE (tubulin folding cofactor E; plus strand). Cytogenetic location: 1q42.3.
Variant type: Microsatellite.
Coding change: c.1306_1307del on transcript NM_003193.5 (MANE Select); coding-DNA positions 1306 to 1307, 2 bases deleted (CA; older notation c.1306_1307delCA).
Protein change: p.Gln436fs; shifts the reading frame from glutamine 436.
Molecular consequence: frameshift variant.
Genome position (GRCh38, 1-based): chr1:235,441,849-235,441,850, CA deleted; deleting any 2 consecutive bases within chr1:235,441,846-235,441,850 gives the same sequence; the c. name uses the placement nearest the transcript's 3' end. VCF-style (leftmost placement, unchanged base first): chr1-235441845-AAC-A. GRCh37 (hg19) VCF-style: chr1-235605160-AAC-A.
Other names: c.1306_1307del, p.Gln436fs (NM_001079515.3); c.1459_1460del, p.Gln487fs (NM_001287801.2); c.967_968del, p.Gln323fs (NM_001287802.2); short protein forms Q487fs, Q323fs, Q436fs.
Identifiers: ClinVar variation 2980363 (VCV002980363.3), dbSNP rs2527071646, ClinGen allele CA2740092621.
Genomic context (GRCh38, chr1:235,441,845, plus strand): 5'-TCATTCATCTCTTTTGCTTTCTTAAACAGAATATGGTGCACCTGAAGATTGGGAACTCAA[AAC>A]ACAGCAACCACTTATGCTGAAAAACCAGCTACTAAGTAAGAATCTCAGATTCAAATAGTT-3'

ClinVar aggregate classification (germline): Pathogenic (1 of 4 stars; one submission).

Submission:

Labcorp Genetics (formerly Invitae), Labcorp
Classification: Pathogenic. Last evaluated: 2023-08-27. Review status: criteria provided, single submitter. Criteria: Invitae Variant Classification Sherloc (09022015). Collection method: clinical testing. Allele origin: germline.
Comment: For these reasons, this variant has been classified as Pathogenic. This variant has not been reported in the literature in individuals affected with TBCE-related conditions. This variant is not present in population databases (gnomAD no frequency). This sequence change creates a premature translational stop signal (p.Gln436Alafs*21) in the TBCE gene. It is expected to result in an absent or disrupted protein product. Loss-of-function variants in TBCE are known to be pathogenic (PMID: 27666369, 34134906, 34356170).

Literature cited by the submitters: PubMed 27666369; PubMed 34134906; PubMed 34356170.